The following is an entry in ClinVar:

NM_002292.4(LAMB2):c.1862A>G (p.Tyr621Cys)

Gene: LAMB2 (laminin subunit beta 2; minus strand). Cytogenetic location: 3p21.31.
Variant type: single nucleotide variant.
Coding change: c.1862A>G on transcript NM_002292.4 (MANE Select); coding-DNA position 1862, A replaced by G.
Protein change: p.Tyr621Cys; replaces tyrosine 621 with cysteine.
Molecular consequence: missense variant.
Genome position (GRCh38, 1-based): chr3:49,128,689, T>C on the plus strand (A>G on the coding strand, the complement: LAMB2 is on the minus strand). VCF-style: chr3-49128689-T-C. GRCh37 (hg19) VCF-style: chr3-49166122-T-C.
Other names: short protein forms Y621C.
Identifiers: ClinVar variation 1423403 (VCV001423403.4), dbSNP rs373861923, ClinGen allele CA74485415.

ClinVar aggregate classification (germline): Uncertain significance (1 of 4 stars; one submission).

Conditions:
Pierson syndrome. Also called: MICROCORIA-CONGENITAL NEPHROTIC SYNDROME. Identifiers: Orphanet 2670, MedGen C1836876, MONDO:0012184, OMIM 609049.
LAMB2-related infantile-onset nephrotic syndrome. Also called: Nephrotic Syndrome, type 5; NEPHROTIC SYNDROME, TYPE 5, WITHOUT OCULAR ABNORMALITIES; NEPHROTIC SYNDROME, TYPE 5, WITH OCULAR ABNORMALITIES. Identifiers: Orphanet 306507, MedGen C3280113, MONDO:0013621, OMIM 614199.

Allele frequency attached by ClinVar (database versions not stated): gnomAD exomes below 0.00001 and 0.00001; ESP Exome Variant Server 0.00008.

Submission:

Labcorp Genetics (formerly Invitae), Labcorp
Classification: Uncertain significance for LAMB2-related infantile-onset nephrotic syndrome; Pierson syndrome. Last evaluated: 2021-09-14. Review status: criteria provided, single submitter. Criteria: Invitae Variant Classification Sherloc (09022015). Collection method: clinical testing. Allele origin: germline.
Comment: In summary, the available evidence is currently insufficient to determine the role of this variant in disease. Therefore, it has been classified as a Variant of Uncertain Significance. Algorithms developed to predict the effect of missense changes on protein structure and function (SIFT, PolyPhen-2, Align-GVGD) all suggest that this variant is likely to be disruptive. This variant has not been reported in the literature in individuals affected with LAMB2-related conditions. This variant is not present in population databases (ExAC no frequency). This sequence change replaces tyrosine with cysteine at codon 621 of the LAMB2 protein (p.Tyr621Cys). The tyrosine residue is highly conserved and there is a large physicochemical difference between tyrosine and cysteine.